The following is an entry in ClinVar:

ClinVar aggregate classification (germline): Pathogenic (1 of 4 stars; one submission).

Conditions:
Hereditary breast ovarian cancer syndrome. Also called: BRCA1- and BRCA2-Associated Hereditary Breast and Ovarian Cancer; Breast and ovarian cancer; Hereditary breast and ovarian cancer; Hereditary breast and ovarian cancer syndrome (HBOC); Hereditary breast and ovarian cancer syndrome; Hereditary breast and/or ovarian cancer syndrome. Identifiers: Orphanet 145, MedGen C0677776, MeSH D061325, MONDO:0003582. Disease mechanism: loss of function.

Submission:

Labcorp Genetics (formerly Invitae), Labcorp
Classification: Pathogenic for Hereditary breast ovarian cancer syndrome. Last evaluated: 2026-01-27. Review status: criteria provided, single submitter. Criteria: Invitae Variant Classification Sherloc (09022015). Collection method: clinical testing. Allele origin: germline.
Comment: This sequence change creates a premature translational stop signal (p.Thr772Ilefs*13) in the BRCA2 gene. It is expected to result in an absent or disrupted protein product. Loss-of-function variants in BRCA2 are known to be pathogenic (PMID: 20104584). This variant is not present in population databases (gnomAD no frequency). This variant has not been reported in the literature in individuals affected with BRCA2-related conditions. For these reasons, this variant has been classified as Pathogenic.

Literature cited by the submitters: PubMed 20104584.

NM_000059.4(BRCA2):c.2314_2315insTAAAA (p.Thr772fs)

Gene: BRCA2 (BRCA2 DNA repair associated; plus strand). Cytogenetic location: 13q13.1.
Variant type: Insertion.
Coding change: c.2314_2315insTAAAA on transcript NM_000059.4 (MANE Select); coding-DNA positions 2314 to 2315, TAAAA inserted.
Protein change: p.Thr772fs; shifts the reading frame from threonine 772.
Molecular consequence: frameshift variant. On other transcripts: non-coding transcript variant (1), intron variant (2).
Genome position: GRCh38 VCF-style: chr13-32336667-T-TAATAA. GRCh37 (hg19) VCF-style: chr13-32910804-T-TAATAA.
Other names: c.2314_2315insTAAAA, p.Thr772fs (NM_001406719.1, NM_001406720.1, NM_001432077.1); c.1909+3282_1909+3283insTAAAA (NM_001406721.1); c.424+5639_424+5640insTAAAA (NM_001406722.1); short protein forms T772fs.
Identifiers: ClinVar variation 4736291 (VCV004736291.1).